The following is an entry in ClinVar:

NM_033118.4(MYLK2):c.572C>A (p.Ala191Asp)

Gene: MYLK2 (myosin light chain kinase 2; plus strand). Cytogenetic location: 20q11.21.
Variant type: single nucleotide variant.
Coding change: c.572C>A on transcript NM_033118.4 (MANE Select); coding-DNA position 572, C replaced by A.
Protein change: p.Ala191Asp; replaces alanine 191 with aspartic acid.
Molecular consequence: missense variant.
Genome position (GRCh38, 1-based): chr20:31,821,537, C>A. VCF-style: chr20-31821537-C-A. GRCh37 (hg19) VCF-style: chr20-30409340-C-A.
Other names: short protein forms A191D.
Identifiers: ClinVar variation 2728340 (VCV002728340.3), dbSNP rs778578033, ClinGen allele CA408525895.

ClinVar aggregate classification (germline): Uncertain significance (1 of 4 stars; one submission).

Conditions:
Hypertrophic cardiomyopathy 1 (CMH1). Also called: MYH7-Related Familial Hypertrophic Cardiomyopathy; Familial hypertrophic cardiomyopathy 1. Identifiers: MedGen C3495498, MONDO:0008647, OMIM 192600.

Submission:

Labcorp Genetics (formerly Invitae), Labcorp
Classification: Uncertain significance for Hypertrophic cardiomyopathy 1. Last evaluated: 2023-06-25. Review status: criteria provided, single submitter. Criteria: Invitae Variant Classification Sherloc (09022015). Collection method: clinical testing. Allele origin: germline.
Comment: This variant is not present in population databases (gnomAD no frequency). This sequence change replaces alanine, which is neutral and non-polar, with aspartic acid, which is acidic and polar, at codon 191 of the MYLK2 protein (p.Ala191Asp). This variant has not been reported in the literature in individuals affected with MYLK2-related conditions. In summary, the available evidence is currently insufficient to determine the role of this variant in disease. Therefore, it has been classified as a Variant of Uncertain Significance. Advanced modeling of protein sequence and biophysical properties (such as structural, functional, and spatial information, amino acid conservation, physicochemical variation, residue mobility, and thermodynamic stability) performed at Invitae indicates that this missense variant is not expected to disrupt MYLK2 protein function.